The following is an entry in ClinVar:

NM_001378120.1(MBD5):c.698del (p.Gly233fs)

Gene: MBD5 (methyl-CpG binding domain protein 5; plus strand). Cytogenetic location: 2q23.1.
Variant type: Deletion.
Coding change: c.698del on transcript NM_001378120.1 (MANE Select); coding-DNA position 698, one base deleted (G; older notation c.698delG).
Protein change: p.Gly233fs; shifts the reading frame from glycine 233.
Molecular consequence: frameshift variant.
Genome position (GRCh38, 1-based): chr2:148,468,641, G deleted; the last of 2 consecutive G bases (chr2:148,468,640-148,468,641); deleting either gives the same sequence. VCF-style (leftmost placement, unchanged base first): chr2-148468639-TG-T. GRCh37 (hg19) VCF-style: chr2-149226208-TG-T.
Other names: c.698del, p.Gly233fs (NM_018328.5); short protein forms G233fs.
Identifiers: ClinVar variation 841779 (VCV000841779.8), dbSNP rs1680673822, ClinGen allele CA916082208.

ClinVar aggregate classification (germline): Pathogenic (1 of 4 stars; one submission).

Conditions:
Intellectual developmental disorder, autosomal dominant 1. Also called: Intellectual disability, autosomal dominant 1; MBD5 Haploinsufficiency. Identifiers: Orphanet 228402, MedGen C1969562, MONDO:0007974, OMIM 156200.

Submission:

Labcorp Genetics (formerly Invitae), Labcorp
Classification: Pathogenic for Intellectual developmental disorder, autosomal dominant 1. Last evaluated: 2019-11-29. Review status: criteria provided, single submitter. Criteria: Invitae Variant Classification Sherloc (09022015). Collection method: clinical testing. Allele origin: germline.
Comment: This sequence change creates a premature translational stop signal (p.Gly233Glufs*36) in the MBD5 gene. It is expected to result in an absent or disrupted protein product. For these reasons, this variant has been classified as Pathogenic. Loss-of-function variants in MBD5 are known to be pathogenic (PMID: 23422940, 23587880). This variant has not been reported in the literature in individuals with MBD5-related conditions. This variant is not present in population databases (ExAC no frequency).

Literature cited by the submitters: PubMed 23422940; PubMed 23587880.